The following is an entry in ClinVar:

ClinVar aggregate classification (germline): Pathogenic (1 of 4 stars; one submission).

Conditions:
Inborn genetic diseases. Identifiers: MedGen C0950123, MeSH D030342.

Submission:

Ambry Genetics
Classification: Pathogenic for Inborn genetic diseases. Last evaluated: 2025-09-15. Review status: criteria provided, single submitter. Criteria: Ambry Variant Classification Scheme 2023. Collection method: clinical testing. Allele origin: germline.
Comment: The c.2329C>T (p.Q777*) alteration, located in exon 21 (coding exon 21) of the PHKA1 gene, consists of a C to T substitution at nucleotide position 2329. This changes the amino acid from a glutamine (Q) to a stop codon at amino acid position 777. This alteration is expected to result in loss of function by premature protein truncation or nonsense-mediated mRNA decay. This variant was not reported in population-based cohorts in the Genome Aggregation Database (gnomAD). Based on the available evidence, this alteration is classified as pathogenic.

NM_002637.4(PHKA1):c.2329C>T (p.Gln777Ter)

Gene: PHKA1 (phosphorylase kinase regulatory subunit alpha 1; minus strand). Cytogenetic location: Xq13.1.
Variant type: single nucleotide variant.
Coding change: c.2329C>T on transcript NM_002637.4 (MANE Select); coding-DNA position 2329, C replaced by T.
Protein change: p.Gln777Ter; replaces glutamine 777 with a stop codon.
Molecular consequence: nonsense.
Genome position (GRCh38, 1-based): chrX:72,618,750, G>A on the plus strand (C>T on the coding strand, the complement: PHKA1 is on the minus strand). VCF-style: chrX-72618750-G-A. GRCh37 (hg19) VCF-style: chrX-71838600-G-A.
Other names: c.2329C>T, p.Gln777Ter (NM_001122670.2, NM_001431068.1, NM_001440787.1); c.2152C>T, p.Gln718Ter (NM_001172436.2, NM_001440788.1); short protein forms Q718*, Q777*.
Identifiers: ClinVar variation 4627392 (VCV004627392.1).